The following is an entry in ClinVar:

ClinVar aggregate classification (germline): Pathogenic (1 of 4 stars; one submission).

Submission:

Labcorp Genetics (formerly Invitae), Labcorp
Classification: Pathogenic. Last evaluated: 2023-12-22. Review status: criteria provided, single submitter. Criteria: Invitae Variant Classification Sherloc (09022015). Collection method: clinical testing. Allele origin: germline.
Comment: This sequence change creates a premature translational stop signal (p.Glu925*) in the ADAMTSL4 gene. It is expected to result in an absent or disrupted protein product. Loss-of-function variants in ADAMTSL4 are known to be pathogenic (PMID: 20564469, 28642162). This variant is not present in population databases (gnomAD no frequency). This variant has not been reported in the literature in individuals affected with ADAMTSL4-related conditions. Algorithms developed to predict the effect of sequence changes on RNA splicing suggest that this variant may disrupt the consensus splice site. For these reasons, this variant has been classified as Pathogenic.

Literature cited by the submitters: PubMed 20564469; PubMed 28642162.

NM_019032.6(ADAMTSL4):c.2773G>T (p.Glu925Ter)

Gene: ADAMTSL4 (ADAMTS like 4; plus strand). Cytogenetic location: 1q21.2.
Variant type: single nucleotide variant.
Coding change: c.2773G>T on transcript NM_019032.6 (MANE Select); coding-DNA position 2773, G replaced by T.
Protein change: p.Glu925Ter; replaces glutamic acid 925 with a stop codon.
Molecular consequence: nonsense.
Genome position (GRCh38, 1-based): chr1:150,559,296, G>T. VCF-style: chr1-150559296-G-T. GRCh37 (hg19) VCF-style: chr1-150531772-G-T.
Other names: c.2656G>T, p.Glu886Ter (NM_001288607.2); c.2842G>T, p.Glu948Ter (NM_001288608.2); c.2773G>T, p.Glu925Ter (NM_001378596.1); short protein forms E948*, E886*, E925*.
Identifiers: ClinVar variation 2704917 (VCV002704917.3), dbSNP rs202208107, ClinGen allele CA342316926.